The following is an entry in ClinVar:

NM_000400.4(ERCC2):c.1072del (p.Phe357_Leu358insTer)

Gene: ERCC2 (ERCC excision repair 2, TFIIH core complex helicase subunit; minus strand). Cytogenetic location: 19q13.32.
Variant type: Deletion.
Coding change: c.1072del on transcript NM_000400.4 (MANE Select); coding-DNA position 1072, one base deleted (C; older notation c.1072delC).
Protein change: p.Phe357_Leu358insTer.
Molecular consequence: nonsense.
Genome position (GRCh38, 1-based): chr19:45,363,789, G deleted on the plus strand (C on the coding strand, the reverse complement: ERCC2 is on the minus strand); the first of 2 consecutive G bases (chr19:45,363,789-45,363,790); deleting either gives the same sequence. VCF-style (leftmost placement, unchanged base first): chr19-45363788-AG-A. GRCh37 (hg19) VCF-style: chr19-45867046-AG-A.
Other names: c.1000del, p.Phe333_Leu334insTer (NM_001130867.2).
Identifiers: ClinVar variation 2767741 (VCV002767741.3), dbSNP rs2514028487, ClinGen allele CA2697556620.

ClinVar aggregate classification (germline): Pathogenic (1 of 4 stars; one submission).

Submission:

Labcorp Genetics (formerly Invitae), Labcorp
Classification: Pathogenic. Last evaluated: 2023-10-12. Review status: criteria provided, single submitter. Criteria: Invitae Variant Classification Sherloc (09022015). Collection method: clinical testing. Allele origin: germline.
Comment: This sequence change creates a premature translational stop signal (p.Leu358*) in the ERCC2 gene. It is expected to result in an absent or disrupted protein product. Loss-of-function variants in ERCC2 are known to be pathogenic (PMID: 9238033, 11335038, 19085937, 19934020). This variant is not present in population databases (gnomAD no frequency). This variant has not been reported in the literature in individuals affected with ERCC2-related conditions. For these reasons, this variant has been classified as Pathogenic.

Literature cited by the submitters: PubMed 9238033; PubMed 11335038; PubMed 19085937; PubMed 19934020.